The following is an entry in ClinVar:

NM_005477.3(HCN4):c.1005G>A (p.Met335Ile)

Genes: HCN4 (hyperpolarization activated cyclic nucleotide gated potassium channel 4; minus strand), LOC105370890 (uncharacterized LOC105370890; plus strand), LOC126862173 (CDK7 strongly-dependent group 2 enhancer GRCh37_chr15:73635762-73636961; plus strand). Cytogenetic location: 15q24.1.
Variant type: single nucleotide variant.
Coding change: c.1005G>A on transcript NM_005477.3 (MANE Select); coding-DNA position 1005, G replaced by A.
Protein change: p.Met335Ile; replaces methionine 335 with isoleucine.
Molecular consequence: missense variant.
Genome position (GRCh38, 1-based): chr15:73,343,589, C>T on the plus strand (G>A on the coding strand, the complement: HCN4 is on the minus strand). VCF-style: chr15-73343589-C-T. GRCh37 (hg19) VCF-style: chr15-73635930-C-T.
Other names: short protein forms M335I.
Identifiers: ClinVar variation 470643 (VCV000470643.14), dbSNP rs758797709, ClinGen allele CA7649383.

ClinVar aggregate classification (germline): Uncertain significance. Review status: criteria provided, multiple submitters, no conflicts (2 of 4 stars). 2 submissions from 2 submitters: Uncertain significance (2). Last evaluated 2025-08-31.

Conditions:
Brugada syndrome 8 (BRGDA8). Identifiers: Orphanet 130, MedGen C2751083, MONDO:0013148, OMIM 613123.
Cardiovascular phenotype. Identifiers: MedGen CN230736.

Allele frequency attached by ClinVar (database versions not stated): gnomAD exomes 0.00001 and 0.00003; ExAC 0.00002; gnomAD 0.00003; TOPMed 0.00003.
gnomAD v4.1: 48 of 1,614,044 alleles (0.003%); highest among the groups gnomAD compares: Non-Finnish European, 0.004%; no homozygotes.

Submissions (2):

Labcorp Genetics (formerly Invitae), Labcorp
Classification: Uncertain significance for Brugada syndrome 8. Last evaluated: 2025-08-31. Review status: criteria provided, single submitter. Criteria: Invitae Variant Classification Sherloc (09022015). Collection method: clinical testing. Allele origin: germline.
Comment: This sequence change replaces methionine, which is neutral and non-polar, with isoleucine, which is neutral and non-polar, at codon 335 of the HCN4 protein (p.Met335Ile). This variant is present in population databases (rs758797709, gnomAD 0.007%). This variant has not been reported in the literature in individuals affected with HCN4-related conditions. ClinVar contains an entry for this variant (Variation ID: 470643). Invitae Evidence Modeling of protein sequence and biophysical properties (such as structural, functional, and spatial information, amino acid conservation, physicochemical variation, residue mobility, and thermodynamic stability) indicates that this missense variant is not expected to disrupt HCN4 protein function with a negative predictive value of 95%. In summary, the available evidence is currently insufficient to determine the role of this variant in disease. Therefore, it has been classified as a Variant of Uncertain Significance.

Ambry Genetics
Classification: Uncertain significance for Cardiovascular phenotype. Last evaluated: 2024-08-19. Review status: criteria provided, single submitter. Criteria: Ambry Variant Classification Scheme 2023. Collection method: clinical testing. Allele origin: germline.